The following is an entry in ClinVar:

ClinVar aggregate classification (germline): Uncertain significance. Review status: criteria provided, multiple submitters, no conflicts (2 of 4 stars). 2 submissions from 2 submitters: Uncertain significance (2). Last evaluated 2026-02-04.

Conditions:
TTN-related disorder. Also called: TTN-related condition; TTN-related disease; TTN-related disorders.

Allele frequency attached by ClinVar (database versions not stated): gnomAD exomes 0.00001; gnomAD 0.00002; TOPMed 0.00002.
gnomAD v4.1: 14 of 1,613,594 alleles (0.00087%); highest among the groups gnomAD compares: Admixed American, 0.0017%; no homozygotes.

Submissions (2):

PreventionGenetics, part of Exact Sciences
Classification: Uncertain significance for TTN-related condition. Last evaluated: 2026-02-04. Review status: criteria provided, single submitter. Criteria: ACMG Guidelines, 2015. Collection method: clinical testing. Allele origin: germline.
Comment: The TTN c.24681A>G variant is predicted to result in the amino acid substitution p.Ile8227Met. To our knowledge, this variant has not been reported in the literature. This variant is reported in 0.0027% of alleles in individuals of European (Non-Finnish) descent in gnomAD. At this time, the clinical significance of this variant is uncertain due to the absence of conclusive functional and genetic evidence.

Revvity Omics, Revvity
Classification: Uncertain significance. Last evaluated: 2022-03-23. Review status: criteria provided, single submitter. Criteria: ACMG Guidelines, 2015. Collection method: clinical testing. Allele origin: germline.

NM_001267550.2(TTN):c.24681A>G (p.Ile8227Met)

Gene: TTN (titin; minus strand). Cytogenetic location: 2q31.2.
Variant type: single nucleotide variant.
Coding change: c.24681A>G on transcript NM_001267550.2 (MANE Select); coding-DNA position 24681, A replaced by G.
Protein change: p.Ile8227Met; replaces isoleucine 8227 with methionine.
Molecular consequence: missense variant. On other transcripts: intron variant (3).
Genome position (GRCh38, 1-based): chr2:178,718,425, T>C on the plus strand (A>G on the coding strand, the complement: TTN is on the minus strand). VCF-style: chr2-178718425-T-C. GRCh37 (hg19) VCF-style: chr2-179583152-T-C.
Other names: c.23730A>G, p.Ile7910Met (NM_001256850.1); c.20949A>G, p.Ile6983Met (NM_133378.4); c.13282+19657A>G (NM_003319.4); c.13858+19657A>G (NM_133437.4); c.13657+19657A>G (NM_133432.3); short protein forms I6983M, I7910M, I8227M.
Identifiers: ClinVar variation 2437565 (VCV002437565.4), dbSNP rs1300167182, ClinGen allele CA349497538.